The following is an entry in ClinVar:

ClinVar aggregate classification (germline): Pathogenic (1 of 4 stars; one submission).

Conditions:
Charcot-Marie-Tooth disease, type I (CMT1). Also called: Charcot-Marie-Tooth disease type 1; Charcot-Marie-Tooth, Type 1. Identifiers: Orphanet 65753, MedGen C0751036, MONDO:0019011.

Submission:

Labcorp Genetics (formerly Invitae), Labcorp
Classification: Pathogenic for Charcot-Marie-Tooth disease, type I. Last evaluated: 2024-08-14. Review status: criteria provided, single submitter. Criteria: Invitae Variant Classification Sherloc (09022015). Collection method: clinical testing. Allele origin: germline.
Comment: This sequence change affects a donor splice site in intron 5 of the MPZ gene. While this variant is not anticipated to result in nonsense mediated decay, it likely alters RNA splicing and results in a disrupted protein product. This variant is not present in population databases (gnomAD no frequency). This variant has not been reported in the literature in individuals affected with MPZ-related conditions. Variants that disrupt the consensus splice site are a relatively common cause of aberrant splicing (PMID: 17576681, 9536098). Algorithms developed to predict the effect of sequence changes on RNA splicing suggest that this variant may disrupt the consensus splice site. This variant disrupts a region of the MPZ protein in which other variant(s) (p.Glu234*) have been determined to be pathogenic (Invitae). This suggests that this is a clinically significant region of the protein, and that variants that disrupt it are likely to be disease-causing. For these reasons, this variant has been classified as Pathogenic.

Literature cited by the submitters: PubMed 17576681; PubMed 9536098.

NM_000530.8(MPZ):c.645+2T>C

Gene: MPZ (myelin protein zero; minus strand). Cytogenetic location: 1q23.3.
Variant type: single nucleotide variant.
Coding change: c.645+2T>C on transcript NM_000530.8 (MANE Select); the canonical splice donor site of the intron after coding-DNA position 645, T replaced by C.
Molecular consequence: splice donor variant.
Genome position (GRCh38, 1-based): chr1:161,306,106, A>G on the plus strand (T>C on the coding strand, the complement: MPZ is on the minus strand). VCF-style: chr1-161306106-A-G. GRCh37 (hg19) VCF-style: chr1-161275896-A-G.
Other names: c.645+2T>C (NM_001315491.2).
Identifiers: ClinVar variation 3662444 (VCV003662444.2).